The following is an entry in ClinVar:

ClinVar aggregate classification (germline): Uncertain significance (1 of 4 stars; one submission).

Allele frequency attached by ClinVar (database versions not stated): gnomAD 0.00002 and 0.00009; TOPMed 0.00002; gnomAD exomes 0.00023; ExAC 0.00074; 1000 Genomes Project 30x 0.00109; 1000 Genomes Project 0.00140.
gnomAD v4.1: 160 of 1,551,406 alleles (0.01%); highest among the groups gnomAD compares: South Asian, 0.15%; 3 homozygotes.

Submission:

Labcorp Genetics (formerly Invitae), Labcorp
Classification: Uncertain significance. Last evaluated: 2025-02-03. Review status: criteria provided, single submitter. Criteria: Invitae Variant Classification Sherloc (09022015). Collection method: clinical testing. Allele origin: germline.
Comment: This sequence change replaces lysine, which is basic and polar, with glutamic acid, which is acidic and polar, at codon 15 of the KPNA7 protein (p.Lys15Glu). This variant is present in population databases (rs571301441, gnomAD 0.1%). This variant has not been reported in the literature in individuals affected with KPNA7-related conditions. ClinVar contains an entry for this variant (Variation ID: 1022412). Invitae Evidence Modeling of protein sequence and biophysical properties (such as structural, functional, and spatial information, amino acid conservation, physicochemical variation, residue mobility, and thermodynamic stability) indicates that this missense variant is expected to disrupt KPNA7 protein function with a positive predictive value of 80%. In summary, the available evidence is currently insufficient to determine the role of this variant in disease. Therefore, it has been classified as a Variant of Uncertain Significance.

NM_001145715.3(KPNA7):c.43A>G (p.Lys15Glu)

Gene: KPNA7 (karyopherin subunit alpha 7; minus strand). Cytogenetic location: 7q22.1.
Variant type: single nucleotide variant.
Coding change: c.43A>G on transcript NM_001145715.3 (MANE Select); coding-DNA position 43, A replaced by G.
Protein change: p.Lys15Glu; replaces lysine 15 with glutamic acid.
Molecular consequence: missense variant.
Genome position (GRCh38, 1-based): chr7:99,207,424, T>C on the plus strand (A>G on the coding strand, the complement: KPNA7 is on the minus strand). VCF-style: chr7-99207424-T-C. GRCh37 (hg19) VCF-style: chr7-98805047-T-C.
Other names: short protein forms K15E.
Identifiers: ClinVar variation 1022412 (VCV001022412.5), dbSNP rs571301441, ClinGen allele CA4363313.